The following is an entry in ClinVar:

ClinVar aggregate classification (germline): Uncertain significance (1 of 4 stars; one submission).

Submission:

Labcorp Genetics (formerly Invitae), Labcorp
Classification: Uncertain significance. Last evaluated: 2024-05-15. Review status: criteria provided, single submitter. Criteria: Invitae Variant Classification Sherloc (09022015). Collection method: clinical testing. Allele origin: germline.
Comment: This sequence change replaces valine, which is neutral and non-polar, with methionine, which is neutral and non-polar, at codon 239 of the IL12RB2 protein (p.Val239Met). Information on the frequency of this variant in the gnomAD database is not available, as this variant may be reported differently in the database. This variant has not been reported in the literature in individuals affected with IL12RB2-related conditions. ClinVar contains an entry for this variant (Variation ID: 1485381). Experimental studies and prediction algorithms are not available or were not evaluated, and the functional significance of this variant is currently unknown. In summary, the available evidence is currently insufficient to determine the role of this variant in disease. Therefore, it has been classified as a Variant of Uncertain Significance.

NM_001374259.2(IL12RB2):c.714_715inv (p.Val239Met)

Gene: IL12RB2 (interleukin 12 receptor subunit beta 2; plus strand). Cytogenetic location: 1p31.3.
Variant type: Inversion.
Coding change: c.714_715inv on transcript NM_001374259.2 (MANE Select).
Protein change: p.Val239Met; replaces valine 239 with methionine.
Molecular consequence: missense variant. On other transcripts: non-coding transcript variant (2).
Genome position: GRCh38 VCF-style: chr1-67329636-TG-CA. GRCh37 (hg19) VCF-style: chr1-67795319-TG-CA.
Other names: c.714_715inv, p.Val239Met (NM_001258214.1, NM_001258215.1, NM_001258216.1 and 2 more transcripts); short protein forms V239M.
Identifiers: ClinVar variation 1485381 (VCV001485381.6), ClinGen allele CA2573132501.